The following is an entry in ClinVar:

NM_015158.5(KANK1):c.917A>G (p.Lys306Arg)

Gene: KANK1 (KN motif and ankyrin repeat domains 1; plus strand). Cytogenetic location: 9p24.3.
Variant type: single nucleotide variant.
Coding change: c.917A>G on transcript NM_015158.5 (MANE Select); coding-DNA position 917, A replaced by G.
Protein change: p.Lys306Arg; replaces lysine 306 with arginine.
Molecular consequence: missense variant. On other transcripts: non-coding transcript variant (1).
Genome position (GRCh38, 1-based): chr9:711,683, A>G. VCF-style: chr9-711683-A-G. GRCh37 (hg19) VCF-style: chr9-711683-A-G.
Other names: c.917A>G, p.Lys306Arg (NM_001256876.3, NM_001256877.3, NM_001354331.2 and 2 more transcripts); c.443A>G, p.Lys148Arg (NM_001354333.2, NM_001354335.2, NM_001354336.2 and 9 more transcripts); short protein forms K148R, K306R.
Identifiers: ClinVar variation 1460651 (VCV001460651.6), dbSNP rs2130921779, ClinGen allele CA372747138.

ClinVar aggregate classification (germline): Uncertain significance (1 of 4 stars; one submission).

Submission:

Labcorp Genetics (formerly Invitae), Labcorp
Classification: Uncertain significance. Last evaluated: 2021-10-05. Review status: criteria provided, single submitter. Criteria: Invitae Variant Classification Sherloc (09022015). Collection method: clinical testing. Allele origin: germline.
Comment: This variant is not present in population databases (ExAC no frequency). This sequence change replaces lysine with arginine at codon 306 of the KANK1 protein (p.Lys306Arg). The lysine residue is highly conserved and there is a small physicochemical difference between lysine and arginine. This variant has not been reported in the literature in individuals affected with KANK1-related conditions. In summary, the available evidence is currently insufficient to determine the role of this variant in disease. Therefore, it has been classified as a Variant of Uncertain Significance. Algorithms developed to predict the effect of missense changes on protein structure and function are either unavailable or do not agree on the potential impact of this missense change (SIFT: "Tolerated"; PolyPhen-2: "Probably Damaging"; Align-GVGD: "Class C0").